The following is an entry in ClinVar:

NM_015374.3(SUN2):c.74G>A (p.Ser25Asn)

Gene: SUN2 (Sad1 and UNC84 domain containing 2; minus strand). Cytogenetic location: 22q13.1.
Variant type: single nucleotide variant.
Coding change: c.74G>A on transcript NM_015374.3 (MANE Select); coding-DNA position 74, G replaced by A.
Protein change: p.Ser25Asn; replaces serine 25 with asparagine.
Molecular consequence: missense variant.
Genome position (GRCh38, 1-based): chr22:38,752,555, C>T on the plus strand (G>A on the coding strand, the complement: SUN2 is on the minus strand). VCF-style: chr22-38752555-C-T. GRCh37 (hg19) VCF-style: chr22-39148560-C-T.
Other names: c.74G>A, p.Ser25Asn (NM_001199579.2, NM_001199580.2, NM_001394427.1 and 18 more transcripts); c.74G>A (NM_015374.2); short protein forms S25N.
Identifiers: ClinVar variation 2197215 (VCV002197215.5), dbSNP rs751009253, ClinGen allele CA10236111.
Genomic context (GRCh38, chr22:38,752,555, plus strand): 5'-TTGGGTCCCTACCTGAGAGGACTGTCTTTAAACAGGGTGCTCTGACTCCCAGCCACCGAG[C>T]TCCCTCCGCTGCTGCTGCTGCCGTCATCGTCACCCTGGGAGTAGCGCGTGAGGCGCTGGC-3'
Protein context (NP_056189.1, residues 15-35): DDDGSSSSGG[Ser25Asn]SVAGSQSTLF

ClinVar aggregate classification (germline): Uncertain significance. Review status: criteria provided, multiple submitters, no conflicts (2 of 4 stars). 2 submissions from 2 submitters: Uncertain significance (2). Last evaluated 2025-07-30.

Conditions:
Emery-Dreifuss muscular dystrophy (EDMD). Also called: Scapuloperoneal syndrome, X-linked (formerly); Humeroperoneal neuromuscular disease, (formerly). Identifiers: Orphanet 261, MedGen C0410189, MONDO:0016830.

Allele frequency attached by ClinVar (database versions not stated): TOPMed below 0.00001; gnomAD 0.00001; gnomAD exomes 0.00001; ExAC 0.00003.
gnomAD v4.1: 11 of 1,613,866 alleles (0.00068%); highest among the groups gnomAD compares: Admixed American, 0.0083%; no homozygotes.

Submissions (2):

Labcorp Genetics (formerly Invitae), Labcorp
Classification: Uncertain significance for Emery-Dreifuss muscular dystrophy. Last evaluated: 2025-07-30. Review status: criteria provided, single submitter. Criteria: Invitae Variant Classification Sherloc (09022015). Collection method: clinical testing. Allele origin: germline.
Comment: This sequence change replaces serine, which is neutral and polar, with asparagine, which is neutral and polar, at codon 25 of the SUN2 protein (p.Ser25Asn). This variant is present in population databases (rs751009253, gnomAD 0.01%). This variant has not been reported in the literature in individuals affected with SUN2-related conditions. ClinVar contains an entry for this variant (Variation ID: 2197215). An algorithm developed to predict the effect of missense changes on protein structure and function (PolyPhen-2) suggests that this variant is likely to be disruptive. In summary, the available evidence is currently insufficient to determine the role of this variant in disease. Therefore, it has been classified as a Variant of Uncertain Significance.

Ambry Genetics
Classification: Uncertain significance. Last evaluated: 2022-12-27. Review status: criteria provided, single submitter. Criteria: Ambry Variant Classification Scheme 2023. Collection method: clinical testing. Allele origin: germline.